The following is an entry in ClinVar:

ClinVar aggregate classification (germline): Likely benign. Review status: criteria provided, multiple submitters, no conflicts (2 of 4 stars). 2 submissions from 2 submitters: Likely benign (2). Last evaluated 2025-10-07.

Allele frequency attached by ClinVar (database versions not stated): gnomAD exomes 0.00005 and 0.00006; gnomAD 0.00006; ExAC 0.00008; TOPMed 0.00009.
gnomAD v4.1: 90 of 1,614,162 alleles (0.0056%); highest among the groups gnomAD compares: Non-Finnish European, 0.0072%; no homozygotes.

Submissions (2):

Labcorp Genetics (formerly Invitae), Labcorp
Classification: Likely benign. Last evaluated: 2025-10-07. Review status: criteria provided, single submitter. Criteria: Invitae Variant Classification Sherloc (09022015). Collection method: clinical testing. Allele origin: germline.

CeGaT Center for Human Genetics Tuebingen
Classification: Likely benign. Last evaluated: 2023-03-01. Review status: criteria provided, single submitter. Criteria: CeGaT Center For Human Genetics Tuebingen Variant Classification Criteria Version 2. Collection method: clinical testing. Allele origin: germline. Affected: yes. Observed: 1 variant allele.
Comment: TRRAP: BP4, BP7

NM_001375524.1(TRRAP):c.11274C>T (p.Val3758=)

Gene: TRRAP (transformation/transcription domain associated protein; plus strand). Cytogenetic location: 7q22.1.
Variant type: single nucleotide variant.
Coding change: c.11274C>T on transcript NM_001375524.1 (MANE Select); coding-DNA position 11274, C replaced by T.
Protein change: p.Val3758=; no amino-acid change (valine 3758 retained).
Molecular consequence: synonymous variant.
Genome position (GRCh38, 1-based): chr7:99,011,472, C>T. VCF-style: chr7-99011472-C-T. GRCh37 (hg19) VCF-style: chr7-98609095-C-T.
Other names: c.11232C>T, p.Val3744= (NM_001244580.2); c.11145C>T, p.Val3715= (NM_003496.4).
Identifiers: ClinVar variation 1577942 (VCV001577942.32), dbSNP rs777339560, ClinGen allele CA4362118.